The following is an entry in ClinVar:

ClinVar aggregate classification (germline): Likely benign. Review status: criteria provided, multiple submitters, no conflicts (2 of 4 stars). 3 submissions from 3 submitters: Likely benign (3). Last evaluated 2025-01-26.

Conditions:
Hereditary cancer-predisposing syndrome. Also called: Hereditary neoplastic syndrome; Tumor predisposition; Neoplastic Syndromes, Hereditary; Hereditary Cancer Syndrome. Identifiers: Orphanet 140162, MedGen C0027672, MeSH D009386, MONDO:0015356.
Retinoblastoma (RB1). Also called: RETINOBLASTOMA, SOMATIC. Identifiers: Orphanet 790, MedGen C0035335, MeSH D012175, MONDO:0008380, OMIM 180200, HP:0009919. Disease mechanism: loss of function. Inheritance: Both sporadic and heritable forms are tested..

Allele frequency attached by ClinVar (database versions not stated): gnomAD exomes below 0.00001; TOPMed below 0.00001.
gnomAD v4.1: 4 of 1,612,942 alleles (0.00025%); highest among the groups gnomAD compares: Non-Finnish European, 0.00034%; no homozygotes.

Submissions (3):

Labcorp Genetics (formerly Invitae), Labcorp
Classification: Likely benign for Retinoblastoma. Last evaluated: 2025-01-26. Review status: criteria provided, single submitter. Criteria: Invitae Variant Classification Sherloc (09022015). Collection method: clinical testing. Allele origin: germline.

All of Us Research Program, National Institutes of Health
Classification: Likely benign for Retinoblastoma. Last evaluated: 2023-11-20. Review status: criteria provided, single submitter. Criteria: ACMG Guidelines, 2015. Collection method: clinical testing. Allele origin: germline. Inheritance: Autosomal dominant inheritance. Observed: 1 variant allele, 1 heterozygote.
Comment: This study involves interpretation of variants in research participants for the purpose of population health screening. Participant phenotype was not available at the time of variant classification. Additional details can be found in publication PMID: 35346344, PMCID: PMC8962531

Ambry Genetics
Classification: Likely benign for Hereditary cancer-predisposing syndrome. Last evaluated: 2020-08-07. Review status: criteria provided, single submitter. Criteria: Ambry Variant Classification Scheme 2023. Collection method: clinical testing. Allele origin: germline.

NM_000321.3(RB1):c.1713T>C (p.Asp571=)

Gene: RB1 (RB transcriptional corepressor 1; plus strand). Cytogenetic location: 13q14.2.
Variant type: single nucleotide variant.
Coding change: c.1713T>C on transcript NM_000321.3 (MANE Select); coding-DNA position 1713, T replaced by C.
Protein change: p.Asp571=; no amino-acid change (aspartic acid 571 retained).
Molecular consequence: synonymous variant.
Genome position (GRCh38, 1-based): chr13:48,453,010, T>C. VCF-style: chr13-48453010-T-C. GRCh37 (hg19) VCF-style: chr13-49027146-T-C.
Identifiers: ClinVar variation 1545983 (VCV001545983.11), dbSNP rs1286122592, ClinGen allele CA483558140.